The following is an entry in ClinVar:

ClinVar aggregate classification (germline): Likely pathogenic (1 of 4 stars; one submission).

Conditions:
Congenital generalized lipodystrophy type 2 (CGL2). Also called: BERARDINELLI SYNDROME; BRUNZELL SYNDROME, BSCL2-RELATED; SEIP SYNDROME; Berardinelli-Seip Congenital Lipodystrophy Type 2. Identifiers: Orphanet 528, Orphanet 696289, MedGen C1720863, MONDO:0010020, OMIM 269700.

Submission:

Diagnostics Services (NGS), CSIR - Centre For Cellular And Molecular Biology
Classification: Likely pathogenic for Congenital generalized lipodystrophy type 2. Last evaluated: 2024-12-09. Review status: criteria provided, single submitter. Criteria: ACMG Guidelines, 2015. Collection method: clinical testing. Allele origin: unknown. Affected: yes. Observed: 1 variant allele, 1 heterozygote.
Comment: The c.1113+1G>T variant is not present in publicly available population databases like 1000 Genomes, EVS, gnomAD Indian Exome Database or our internal database. This variant has neither been published in literature in individuals affected with ACTL6B-related conditions nor reported to the clinical databases like Human Genome Mutation Database (HGMD), ClinVar or OMIM in any affected individuals. Algorithms developed to predict the effect of sequence changes on RNA splicing suggest that this variant may disrupt the consensus splice site. In-silico pathogenicity prediction programs like HSF3.1, MutationTaster2021, etc predicted this variant to be likely deleterious, however these predictions were not confirmed by published functional/translational studies.

NM_016188.5(ACTL6B):c.1113+1G>T

Gene: ACTL6B (actin like 6B; minus strand). Cytogenetic location: 7q22.1.
Variant type: single nucleotide variant.
Coding change: c.1113+1G>T on transcript NM_016188.5 (MANE Select); the canonical splice donor site of the intron after coding-DNA position 1113, G replaced by T.
Molecular consequence: splice donor variant.
Genome position (GRCh38, 1-based): chr7:100,646,550, C>A on the plus strand (G>T on the coding strand, the complement: ACTL6B is on the minus strand). VCF-style: chr7-100646550-C-A. GRCh37 (hg19) VCF-style: chr7-100244173-C-A.
Identifiers: ClinVar variation 3767981 (VCV003767981.1).
Genomic context (GRCh38, chr7:100,646,550, plus strand): 5'-AGTCCTGGACAGCTGAGCCAGGACGGGTGTCCAGGGCTCTGGGTCAGGGGTGGGCTCCTA[C>A]CGGTGGGGTCTTCTGGGAAAGCTCTCGATTGAGCCTGTCAGTGAAGCCCTGCAGCAGTGT-3'